The following is an entry in ClinVar:

ClinVar aggregate classification (germline): Uncertain significance (1 of 4 stars; one submission).

Conditions:
Hereditary cancer-predisposing syndrome. Also called: Hereditary Cancer Syndrome; Hereditary neoplastic syndrome; Neoplastic Syndromes, Hereditary; Tumor predisposition. Identifiers: Orphanet 140162, MedGen C0027672, MeSH D009386, MONDO:0015356.

Submission:

Ambry Genetics
Classification: Uncertain significance for Hereditary cancer-predisposing syndrome. Last evaluated: 2022-09-18. Review status: criteria provided, single submitter. Criteria: Ambry Variant Classification Scheme 2023. Collection method: clinical testing. Allele origin: germline.
Comment: The p.D468Y variant (also known as c.1402G>T), located in coding exon 5 of the AXIN2 gene, results from a G to T substitution at nucleotide position 1402. The aspartic acid at codon 468 is replaced by tyrosine, an amino acid with highly dissimilar properties. This amino acid position is conserved. In addition, the in silico prediction for this alteration is inconclusive. Since supporting evidence is limited at this time, the clinical significance of this alteration remains unclear.

NM_004655.4(AXIN2):c.1402G>T (p.Asp468Tyr)

Gene: AXIN2 (axin 2; minus strand). Cytogenetic location: 17q24.1.
Variant type: single nucleotide variant.
Coding change: c.1402G>T on transcript NM_004655.4 (MANE Select); coding-DNA position 1402, G replaced by T.
Protein change: p.Asp468Tyr; replaces aspartic acid 468 with tyrosine.
Molecular consequence: missense variant.
Genome position (GRCh38, 1-based): chr17:65,537,634, C>A on the plus strand (G>T on the coding strand, the complement: AXIN2 is on the minus strand). VCF-style: chr17-65537634-C-A. GRCh37 (hg19) VCF-style: chr17-63533752-C-A.
Other names: c.1402G>T, p.Asp468Tyr (NM_001363813.1); short protein forms D468Y.
Identifiers: ClinVar variation 1771848 (VCV001771848.2), dbSNP rs1477541377, ClinGen allele CA400677579.